The following is an entry in ClinVar:

ClinVar aggregate classification (germline): Uncertain significance (1 of 4 stars; one submission).

Allele frequency attached by ClinVar (database versions not stated): gnomAD 0.00001; TOPMed 0.00001; gnomAD exomes 0.00002; ExAC 0.00004.
gnomAD v4.1: 29 of 1,610,290 alleles (0.0018%); highest among the groups gnomAD compares: South Asian, 0.018%; no homozygotes.

Submission:

Labcorp Genetics (formerly Invitae), Labcorp
Classification: Uncertain significance. Last evaluated: 2022-12-15. Review status: criteria provided, single submitter. Criteria: Invitae Variant Classification Sherloc (09022015). Collection method: clinical testing. Allele origin: germline.
Comment: This sequence change replaces arginine, which is basic and polar, with glutamine, which is neutral and polar, at codon 346 of the LZTS1 protein (p.Arg346Gln). This variant is present in population databases (rs774040491, gnomAD 0.02%). This variant has not been reported in the literature in individuals affected with LZTS1-related conditions. Advanced modeling of protein sequence and biophysical properties (such as structural, functional, and spatial information, amino acid conservation, physicochemical variation, residue mobility, and thermodynamic stability) performed at Invitae indicates that this missense variant is not expected to disrupt LZTS1 protein function. In summary, the available evidence is currently insufficient to determine the role of this variant in disease. Therefore, it has been classified as a Variant of Uncertain Significance.

NM_021020.5(LZTS1):c.1037G>A (p.Arg346Gln)

Gene: LZTS1 (leucine zipper tumor suppressor 1; minus strand). Cytogenetic location: 8p21.3.
Variant type: single nucleotide variant.
Coding change: c.1037G>A on transcript NM_021020.5 (MANE Select); coding-DNA position 1037, G replaced by A.
Protein change: p.Arg346Gln; replaces arginine 346 with glutamine.
Molecular consequence: missense variant.
Genome position (GRCh38, 1-based): chr8:20,252,894, C>T on the plus strand (G>A on the coding strand, the complement: LZTS1 is on the minus strand). VCF-style: chr8-20252894-C-T. GRCh37 (hg19) VCF-style: chr8-20110405-C-T.
Other names: c.1037G>A, p.Arg346Gln (NM_001362884.2); short protein forms R346Q.
Identifiers: ClinVar variation 2974410 (VCV002974410.3), dbSNP rs774040491, ClinGen allele CA4657378.